The following is an entry in ClinVar:

ClinVar aggregate classification (germline): Uncertain significance (1 of 4 stars; one submission).

Submission:

Labcorp Genetics (formerly Invitae), Labcorp
Classification: Uncertain significance. Last evaluated: 2023-03-10. Review status: criteria provided, single submitter. Criteria: Invitae Variant Classification Sherloc (09022015). Collection method: clinical testing. Allele origin: germline.
Comment: In summary, the available evidence is currently insufficient to determine the role of this variant in disease. Therefore, it has been classified as a Variant of Uncertain Significance. Experimental studies and prediction algorithms are not available or were not evaluated, and the functional significance of this variant is currently unknown. This variant has not been reported in the literature in individuals affected with HMX1-related conditions. This variant is not present in population databases (gnomAD no frequency). This sequence change results in a frameshift in the HMX1 gene (p.Pro313Argfs*98). While this is not anticipated to result in nonsense mediated decay, it is expected to disrupt the last 36 amino acid(s) of the HMX1 protein and extend the protein by 61 additional amino acid residues.

NM_018942.3(HMX1):c.936_937dup (p.Pro313fs)

Gene: HMX1 (H6 family homeobox 1; minus strand). Cytogenetic location: 4p16.1.
Variant type: Microsatellite.
Coding change: c.936_937dup on transcript NM_018942.3 (MANE Select); coding-DNA positions 936 to 937, 2 bases duplicated (GC; older notation c.936_937dupGC).
Protein change: p.Pro313fs; shifts the reading frame from proline 313.
Molecular consequence: frameshift variant. On other transcripts: intron variant (1).
Genome position (GRCh38, 1-based): chr4:8,867,803-8,867,804, GC duplicated on the plus strand (GC on the coding strand, the reverse complement: HMX1 is on the minus strand); duplicating any 2 consecutive bases within chr4:8,867,803-8,867,807 gives the same sequence; the c. name uses the placement nearest the transcript's 3' end. VCF-style (leftmost placement, unchanged base first): chr4-8867802-G-GGC. GRCh37 (hg19) VCF-style: chr4-8869528-G-GGC.
Other names: c.394+3415GC[3] (NM_001306142.2); short protein forms P313fs.
Identifiers: ClinVar variation 2079606 (VCV002079606.4), dbSNP rs2474392220, ClinGen allele CA2580616074.